The following is an entry in ClinVar:

NM_024649.5(BBS1):c.951+3G>A

Genes: BBS1 (Bardet-Biedl syndrome 1; plus strand), ZDHHC24 (zDHHC palmitoyltransferase 24; minus strand). Cytogenetic location: 11q13.2.
Variant type: single nucleotide variant.
Coding change: c.951+3G>A on transcript NM_024649.5 (MANE Select); 3 bases into the intron after coding-DNA position 951, G replaced by A.
Molecular consequence: intron variant.
Genome position (GRCh38, 1-based): chr11:66,523,579, G>A. VCF-style: chr11-66523579-G-A. GRCh37 (hg19) VCF-style: chr11-66291050-G-A.
Other names: c.*22-2113C>T (NM_001348571.2).
Identifiers: ClinVar variation 1446409 (VCV001446409.44), dbSNP rs1590766778, ClinGen allele CA1979709852.

ClinVar aggregate classification (germline): Uncertain significance (1 of 4 stars; one submission).

Conditions:
Bardet-Biedl syndrome (BBS). Identifiers: Orphanet 110, MedGen C0752166, MONDO:0015229.

Allele frequency attached by ClinVar (database versions not stated): gnomAD exomes below 0.00001.
gnomAD v4.1: 3 of 1,614,138 alleles (0.00019%); highest among the groups gnomAD compares: Non-Finnish European, 0.00025%; no homozygotes.

Submission:

Labcorp Genetics (formerly Invitae), Labcorp
Classification: Uncertain significance for Bardet-Biedl syndrome. Last evaluated: 2023-05-15. Review status: criteria provided, single submitter. Criteria: Invitae Variant Classification Sherloc (09022015). Collection method: clinical testing. Allele origin: germline.
Comment: This variant has not been reported in the literature in individuals affected with BBS1-related conditions. This variant is not present in population databases (gnomAD no frequency). This sequence change falls in intron 10 of the BBS1 gene. It does not directly change the encoded amino acid sequence of the BBS1 protein. It affects a nucleotide within the consensus splice site. In summary, the available evidence is currently insufficient to determine the role of this variant in disease. Therefore, it has been classified as a Variant of Uncertain Significance. Variants that disrupt the consensus splice site are a relatively common cause of aberrant splicing (PMID: 17576681, 9536098). Algorithms developed to predict the effect of sequence changes on RNA splicing suggest that this variant may create or strengthen a splice site. ClinVar contains an entry for this variant (Variation ID: 1446409).

Literature cited by the submitters: PubMed 17576681; PubMed 9536098.